The following is an entry in ClinVar:

NM_001376.5(DYNC1H1):c.3079C>T (p.Pro1027Ser)

Gene: DYNC1H1 (dynein cytoplasmic 1 heavy chain 1; plus strand). Cytogenetic location: 14q32.31.
Variant type: single nucleotide variant.
Coding change: c.3079C>T on transcript NM_001376.5 (MANE Select); coding-DNA position 3079, C replaced by T.
Protein change: p.Pro1027Ser; replaces proline 1027 with serine.
Molecular consequence: missense variant.
Genome position (GRCh38, 1-based): chr14:101,994,247, C>T. VCF-style: chr14-101994247-C-T. GRCh37 (hg19) VCF-style: chr14-102460584-C-T.
Other names: short protein forms P1027S.
Identifiers: ClinVar variation 408979 (VCV000408979.7), dbSNP rs1060502206, ClinGen allele CA16614084.
Genomic context (GRCh38, chr14:101,994,247, plus strand): 5'-GGTGTACATTACGAATTGACTGAGGAAGAGAAATTCTATCGGAATGCTTTAACACGGATG[C>T]CTGATGGCCCTGTTGCCCTGGAAGAGTCGTATTCTGCTGTCATGGGCATTGTATCTGAAG-3'
Protein context (NP_001367.2, residues 1017-1037): KFYRNALTRM[Pro1027Ser]DGPVALEESY

ClinVar aggregate classification (germline): Uncertain significance (1 of 4 stars; one submission).

Conditions:
Charcot-Marie-Tooth disease axonal type 2O. Also called: CHARCOT-MARIE-TOOTH NEUROPATHY, AXONAL, TYPE 2O; CHARCOT-MARIE-TOOTH DISEASE, AXONAL, AUTOSOMAL DOMINANT, TYPE 2O; Charcot-Marie-Tooth Neuropathy Type 2O; Charcot-Marie-Tooth disease, axonal, type 20. Identifiers: Orphanet 284232, MedGen C3280220, MONDO:0013644, OMIM 614228.

Allele frequency attached by ClinVar (database versions not stated): gnomAD exomes 0.00001; TOPMed 0.00003; gnomAD 0.00002.
gnomAD v4.1: 22 of 1,614,058 alleles (0.0014%); highest among the groups gnomAD compares: Admixed American, 0.0033%; no homozygotes.

Submission:

Labcorp Genetics (formerly Invitae), Labcorp
Classification: Uncertain significance for Charcot-Marie-Tooth disease axonal type 2O. Last evaluated: 2024-08-27. Review status: criteria provided, single submitter. Criteria: Invitae Variant Classification Sherloc (09022015). Collection method: clinical testing. Allele origin: germline.
Comment: This sequence change replaces proline, which is neutral and non-polar, with serine, which is neutral and polar, at codon 1027 of the DYNC1H1 protein (p.Pro1027Ser). This variant is present in population databases (no rsID available, gnomAD 0.002%). This variant has not been reported in the literature in individuals affected with DYNC1H1-related conditions. ClinVar contains an entry for this variant (Variation ID: 408979). Invitae Evidence Modeling of protein sequence and biophysical properties (such as structural, functional, and spatial information, amino acid conservation, physicochemical variation, residue mobility, and thermodynamic stability) indicates that this missense variant is expected to disrupt DYNC1H1 protein function with a positive predictive value of 95%. In summary, the available evidence is currently insufficient to determine the role of this variant in disease. Therefore, it has been classified as a Variant of Uncertain Significance.